The following is an entry in ClinVar:

NM_001144952.2(SDK2):c.6114T>C (p.Pro2038=)

Gene: SDK2 (sidekick cell adhesion molecule 2; minus strand). Cytogenetic location: 17q25.1.
Variant type: single nucleotide variant.
Coding change: c.6114T>C on transcript NM_001144952.2 (MANE Select); coding-DNA position 6114, T replaced by C.
Protein change: p.Pro2038=; no amino-acid change (proline 2038 retained).
Molecular consequence: synonymous variant.
Genome position (GRCh38, 1-based): chr17:73,348,650, A>G on the plus strand (T>C on the coding strand, the complement: SDK2 is on the minus strand). VCF-style: chr17-73348650-A-G. GRCh37 (hg19) VCF-style: chr17-71344789-A-G.
Identifiers: ClinVar variation 3035113 (VCV003035113.2), dbSNP rs547010993, ClinGen allele CA8742083.

ClinVar aggregate classification (germline): Likely benign (0 of 4 stars; one submission).

Conditions:
SDK2-related disorder. Also called: SDK2-related condition.

Allele frequency attached by ClinVar (database versions not stated): gnomAD exomes below 0.00001; ExAC 0.00003; 1000 Genomes Project 30x 0.00016; 1000 Genomes Project 0.00020.
gnomAD v4.1: 8 of 1,613,056 alleles (0.0005%); highest among the groups gnomAD compares: Middle Eastern, 0.033%; 1 homozygote.

Submission:

PreventionGenetics, part of Exact Sciences
Classification: Likely benign for SDK2-related condition. Last evaluated: 2019-08-01. Review status: no assertion criteria provided. Collection method: clinical testing. Allele origin: germline.
Comment: This variant is classified as likely benign based on ACMG/AMP sequence variant interpretation guidelines (Richards et al. 2015 PMID: 25741868, with internal and published modifications).